The following is an entry in ClinVar:

ClinVar aggregate classification (germline): Conflicting classifications of pathogenicity. Review status: criteria provided, conflicting classifications (1 of 4 stars). 3 submissions from 3 submitters: Uncertain significance (1); Likely benign (1). 1 of the submissions does not count toward it. Last evaluated 2025-11-04.

Conditions:
Bloom syndrome (BLM). Also called: Bloom-Torre-Machacek syndrome. Identifiers: Orphanet 125, MedGen C0005859, MONDO:0008876, OMIM 210900.
Hereditary cancer-predisposing syndrome. Also called: Neoplastic Syndromes, Hereditary; Hereditary neoplastic syndrome; Tumor predisposition; Hereditary Cancer Syndrome. Identifiers: Orphanet 140162, MedGen C0027672, MeSH D009386, MONDO:0015356.

Allele frequency attached by ClinVar (database versions not stated): gnomAD below 0.00001 and 0.00005; 1000 Genomes Project 0.00040; 1000 Genomes Project 30x 0.00047.
gnomAD v4.1: 63 of 1,611,068 alleles (0.0039%); highest among the groups gnomAD compares: South Asian, 0.068%; 1 homozygote.

Submissions (3):

Labcorp Genetics (formerly Invitae), Labcorp
Classification: Uncertain significance for Bloom syndrome. Last evaluated: 2025-11-04. Review status: criteria provided, single submitter. Criteria: Invitae Variant Classification Sherloc (09022015). Collection method: clinical testing. Allele origin: germline.
Comment: This sequence change replaces isoleucine, which is neutral and non-polar, with leucine, which is neutral and non-polar, at codon 366 of the BLM protein (p.Ile366Leu). This variant is present in population databases (rs552913880, gnomAD 0.06%). This variant has not been reported in the literature in individuals affected with BLM-related conditions. ClinVar contains an entry for this variant (Variation ID: 524793). Invitae Evidence Modeling of protein sequence and biophysical properties (such as structural, functional, and spatial information, amino acid conservation, physicochemical variation, residue mobility, and thermodynamic stability) indicates that this missense variant is not expected to disrupt BLM protein function with a negative predictive value of 80%. In summary, the available evidence is currently insufficient to determine the role of this variant in disease. Therefore, it has been classified as a Variant of Uncertain Significance.

Ambry Genetics
Classification: Likely benign for Hereditary cancer-predisposing syndrome. Last evaluated: 2022-12-21. Review status: criteria provided, single submitter. Criteria: Ambry Variant Classification Scheme 2023. Collection method: clinical testing. Allele origin: germline.

Natera, Inc.
Classification: Uncertain significance for Bloom syndrome. Last evaluated: 2017-04-21. Review status: no assertion criteria provided. Collection method: clinical testing. Allele origin: germline. Not counted in ClinVar's aggregate classification.

NM_000057.4(BLM):c.1096A>C (p.Ile366Leu)

Gene: BLM (BLM RecQ like helicase; plus strand). Cytogenetic location: 15q26.1.
Variant type: single nucleotide variant.
Coding change: c.1096A>C on transcript NM_000057.4 (MANE Select); coding-DNA position 1096, A replaced by C.
Protein change: p.Ile366Leu; replaces isoleucine 366 with leucine.
Molecular consequence: missense variant. On other transcripts: 5 prime UTR variant (1).
Genome position (GRCh38, 1-based): chr15:90,760,155, A>C. VCF-style: chr15-90760155-A-C. GRCh37 (hg19) VCF-style: chr15-91303385-A-C.
Other names: c.1096A>C (NM_000057.2); c.1096A>C, p.Ile366Leu (NM_001287246.2, NM_001287247.2); c.-30A>C (NM_001287248.2); short protein forms I366L.
Identifiers: ClinVar variation 524793 (VCV000524793.7), dbSNP rs552913880, ClinGen allele CA7738462.